The following is an entry in ClinVar:

NM_002439.5(MSH3):c.1777C>T (p.Arg593Trp)

Gene: MSH3 (mutS homolog 3; plus strand). Cytogenetic location: 5q14.1.
Variant type: single nucleotide variant.
Coding change: c.1777C>T on transcript NM_002439.5 (MANE Select); coding-DNA position 1777, C replaced by T.
Protein change: p.Arg593Trp; replaces arginine 593 with tryptophan.
Molecular consequence: missense variant.
Genome position (GRCh38, 1-based): chr5:80,761,559, C>T. VCF-style: chr5-80761559-C-T. GRCh37 (hg19) VCF-style: chr5-80057378-C-T.
Other names: short protein forms R593W.
Identifiers: ClinVar variation 647212 (VCV000647212.18), dbSNP rs759118105, ClinGen allele CA3328042.

ClinVar aggregate classification (germline): Uncertain significance. Review status: criteria provided, multiple submitters, no conflicts (2 of 4 stars). 6 submissions from 6 submitters: Uncertain significance (6). Last evaluated 2026-02-03.

Conditions:
Hereditary cancer-predisposing syndrome. Also called: Hereditary Cancer Syndrome; Tumor predisposition; Hereditary neoplastic syndrome; Neoplastic Syndromes, Hereditary. Identifiers: Orphanet 140162, MedGen C0027672, MeSH D009386, MONDO:0015356.
Endometrial carcinoma. Also called: Endometrial carcinoma, somatic. Identifiers: MedGen C0476089, MONDO:0002447, OMIM 608089, HP:0012114.

Allele frequency attached by ClinVar (database versions not stated): gnomAD 0.00001; TOPMed 0.00003; ExAC 0.00006; gnomAD exomes 0.00006.
gnomAD v4.1: 39 of 1,613,796 alleles (0.0024%); highest among the groups gnomAD compares: East Asian, 0.027%; no homozygotes.

Submissions (6):

Labcorp Genetics (formerly Invitae), Labcorp
Classification: Uncertain significance. Last evaluated: 2026-02-03. Review status: criteria provided, single submitter. Criteria: Invitae Variant Classification Sherloc (09022015). Collection method: clinical testing. Allele origin: germline.
Comment: This sequence change replaces arginine, which is basic and polar, with tryptophan, which is neutral and slightly polar, at codon 593 of the MSH3 protein (p.Arg593Trp). This variant is present in population databases (rs759118105, gnomAD 0.05%). This variant has not been reported in the literature in individuals affected with MSH3-related conditions. ClinVar contains an entry for this variant (Variation ID: 647212). An algorithm developed to predict the effect of missense changes on protein structure and function (PolyPhen-2) suggests that this variant is likely to be disruptive. In summary, the available evidence is currently insufficient to determine the role of this variant in disease. Therefore, it has been classified as a Variant of Uncertain Significance.

Ambry Genetics
Classification: Uncertain significance for Hereditary cancer-predisposing syndrome. Last evaluated: 2025-08-15. Review status: criteria provided, single submitter. Criteria: Ambry Variant Classification Scheme 2023. Collection method: clinical testing. Allele origin: germline.
Comment: The p.R593W variant (also known as c.1777C>T), located in coding exon 13 of the MSH3 gene, results from a C to T substitution at nucleotide position 1777. The arginine at codon 593 is replaced by tryptophan, an amino acid with dissimilar properties. This amino acid position is highly conserved in available vertebrate species. In addition, this alteration is predicted to be deleterious by in silico analysis. Based on the available evidence, the clinical significance of this variant remains unclear.

Quest Diagnostics Nichols Institute San Juan Capistrano
Classification: Uncertain significance. Last evaluated: 2025-08-08. Review status: criteria provided, single submitter. Criteria: Quest Diagnostics criteria. Collection method: clinical testing. Allele origin: unknown.
Comment: The MSH3 c.1777C>T (p.Arg593Trp) variant has been reported in the published literature in individuals with gastric cancer (PMID: 36627197 (2023)) and colorectal cancer (PMID: 36077770 (2022)). The frequency of this variant in the general population (Genome Aggregation Database) is uninformative in the assessment of its pathogenicity. Analysis of this variant using bioinformatics tools for the prediction of the effect of amino acid changes on protein structure and function yielded predictions that this variant is damaging. Based on the available information, we are unable to determine the clinical significance of this variant.

Baylor Genetics
Classification: Uncertain significance for Endometrial carcinoma. Last evaluated: 2023-09-23. Review status: criteria provided, single submitter. Criteria: ACMG Guidelines, 2015. Collection method: clinical testing. Allele origin: unknown.

GeneDx
Classification: Uncertain significance. Last evaluated: 2023-05-10. Review status: criteria provided, single submitter. Criteria: GeneDx Variant Classification Process June 2021. Collection method: clinical testing. Allele origin: germline. Affected: yes.
Comment: In silico analysis supports that this missense variant has a deleterious effect on protein structure/function; Observed in an individual with colorectal cancer (Dos Santos et al., 2022); This variant is associated with the following publications: (PMID: 36077770)

Sema4
Classification: Uncertain significance for Hereditary cancer-predisposing syndrome. Last evaluated: 2022-01-13. Review status: criteria provided, single submitter. Criteria: Sema4 Curation Guidelines. Collection method: curation. Allele origin: germline.
Comment: The MSH3 c.1777C>T (p.R593W) variant has not been reported in the literature to our knowledge. This variant was observed in 8/18390 chromosomes in the East Asian population according to the Genome Aggregation Database (PMID: 32461654). This variant has been reported in ClinVar (Variation ID 647212). In silico tools suggest the impact of the variant on protein function is deleterious, though these predictions have not been confirmed by functional studies. The overall evidence is insufficient to meet ACMG/AMP criteria for classifying it as benign or pathogenic. In summary, the clinical significance of this variant is currently uncertain.

Literature cited by the submitters: PubMed 36627197 (cited by Quest Diagnostics Nichols Institute San Juan Capistrano); PubMed 36077770 (cited by Quest Diagnostics Nichols Institute San Juan Capistrano).